The following is an entry in ClinVar:

ClinVar aggregate classification (germline): Uncertain significance (1 of 4 stars; one submission).

Conditions:
Charcot-Marie-Tooth disease X-linked dominant 6. Also called: CHARCOT-MARIE-TOOTH NEUROPATHY, X-LINKED DOMINANT, 6. Identifiers: Orphanet 352675, MedGen C3806702, MONDO:0010479, OMIM 300905.

Submission:

Labcorp Genetics (formerly Invitae), Labcorp
Classification: Uncertain significance for Charcot-Marie-Tooth disease X-linked dominant 6. Last evaluated: 2019-06-28. Review status: criteria provided, single submitter. Criteria: Invitae Variant Classification Sherloc (09022015). Collection method: clinical testing. Allele origin: germline.
Comment: In summary, the available evidence is currently insufficient to determine the role of this variant in disease. Therefore, it has been classified as a Variant of Uncertain Significance. Algorithms developed to predict the effect of missense changes on protein structure and function (SIFT, PolyPhen-2, Align-GVGD) all suggest that this variant is likely to be tolerated, but these predictions have not been confirmed by published functional studies and their clinical significance is uncertain. This variant has not been reported in the literature in individuals with PDK3-related conditions. This variant is not present in population databases (ExAC no frequency). This sequence change replaces arginine with tryptophan at codon 5 of the PDK3 protein (p.Arg5Trp). The arginine residue is weakly conserved and there is a moderate physicochemical difference between arginine and tryptophan.

NM_005391.5(PDK3):c.13C>T (p.Arg5Trp)

Gene: PDK3 (pyruvate dehydrogenase kinase 3; plus strand). Cytogenetic location: Xp22.11.
Variant type: single nucleotide variant.
Coding change: c.13C>T on transcript NM_005391.5 (MANE Select); coding-DNA position 13, C replaced by T.
Protein change: p.Arg5Trp; replaces arginine 5 with tryptophan.
Molecular consequence: missense variant.
Genome position (GRCh38, 1-based): chrX:24,465,468, C>T. VCF-style: chrX-24465468-C-T. GRCh37 (hg19) VCF-style: chrX-24483585-C-T.
Other names: c.13C>T, p.Arg5Trp (NM_001142386.3); short protein forms R5W.
Identifiers: ClinVar variation 939026 (VCV000939026.9), dbSNP rs1940054079, ClinGen allele CA412603111.